The following is an entry in ClinVar:

ClinVar aggregate classification (germline): Benign/Likely benign. Review status: criteria provided, multiple submitters, no conflicts (2 of 4 stars). 4 submissions from 4 submitters: Benign (1); Likely benign (3). Last evaluated 2025-06-15.

Conditions:
Hereditary cancer-predisposing syndrome. Also called: Tumor predisposition; Hereditary neoplastic syndrome; Neoplastic Syndromes, Hereditary; Hereditary Cancer Syndrome. Identifiers: Orphanet 140162, MedGen C0027672, MeSH D009386, MONDO:0015356.
Hereditary nonpolyposis colorectal neoplasms. Identifiers: MedGen C0009405, MeSH D003123.
Lynch syndrome 5 (LYNCH5). Also called: Hereditary non-polyposis colorectal cancer, type 5; Colorectal cancer, hereditary nonpolyposis, type 5. Identifiers: Orphanet 144, MedGen C1833477, MONDO:0013710, OMIM 614350. Disease mechanism: loss of function.

Submissions (4):

Labcorp Genetics (formerly Invitae), Labcorp
Classification: Likely benign for Hereditary nonpolyposis colorectal neoplasms. Last evaluated: 2025-06-15. Review status: criteria provided, single submitter. Criteria: Invitae Variant Classification Sherloc (09022015). Collection method: clinical testing. Allele origin: germline.

Ambry Genetics
Classification: Likely benign for Hereditary cancer-predisposing syndrome. Last evaluated: 2025-01-27. Review status: criteria provided, single submitter. Criteria: Ambry Variant Classification Scheme 2023. Collection method: clinical testing. Allele origin: germline.

Myriad Genetics, Inc.
Classification: Benign for Lynch syndrome 5. Last evaluated: 2024-12-30. Review status: criteria provided, single submitter. Criteria: Myriad Autosomal Dominant, Autosomal Recessive and X-Linked Classification Criteria (2023). Collection method: clinical testing. Allele origin: unknown.
Comment: This variant is considered benign. This variant is a silent/synonymous amino acid change and it is not expected to impact splicing.

Color Diagnostics, LLC DBA Color Health
Classification: Likely benign for Hereditary cancer-predisposing syndrome. Last evaluated: 2024-06-17. Review status: criteria provided, single submitter. Criteria: ACMG Guidelines, 2015. Collection method: clinical testing. Allele origin: germline.

NM_000179.3(MSH6):c.2040C>G (p.Ala680=)

Gene: MSH6 (mutS homolog 6; plus strand). Cytogenetic location: 2p16.3.
Variant type: single nucleotide variant.
Coding change: c.2040C>G on transcript NM_000179.3 (MANE Select); coding-DNA position 2040, C replaced by G.
Protein change: p.Ala680=; no amino-acid change (alanine 680 retained).
Molecular consequence: synonymous variant.
Genome position (GRCh38, 1-based): chr2:47,800,023, C>G. VCF-style: chr2-47800023-C-G. GRCh37 (hg19) VCF-style: chr2-48027162-C-G.
Other names: c.1650C>G, p.Ala550= (NM_001281492.2); c.1134C>G, p.Ala378= (NM_001281493.2, NM_001281494.2).
Identifiers: ClinVar variation 752511 (VCV000752511.14), dbSNP rs746448428, ClinGen allele CA426121346.
Genomic context (GRCh38, chr2:47,800,023, plus strand): 5'-AGGTATGACTTCAGAGTCTGATTCCATTGGGTTGACACCAGGAGAGAAAAGTGAATTGGC[C>G]CTCTCTGCTCTAGGTGGTTGTGTCTTCTACCTCAAAAAATGCCTTATTGATCAGGAGCTT-3'
Protein context (NP_000170.1, residues 670-690): GLTPGEKSEL[Ala680=]LSALGGCVFY